The following is an entry in ClinVar:

NM_000117.3(EMD):c.557C>T (p.Ser186Phe)

Gene: EMD (emerin; plus strand). Cytogenetic location: Xq28.
Variant type: single nucleotide variant.
Coding change: c.557C>T on transcript NM_000117.3 (MANE Select); coding-DNA position 557, C replaced by T.
Protein change: p.Ser186Phe; replaces serine 186 with phenylalanine.
Molecular consequence: missense variant.
Genome position (GRCh38, 1-based): chrX:154,380,989, C>T. VCF-style: chrX-154380989-C-T. GRCh37 (hg19) VCF-style: chrX-153609349-C-T.
Other names: short protein forms S186F.
Identifiers: ClinVar variation 1409599 (VCV001409599.7), dbSNP rs372718547, ClinGen allele CA10561633.

ClinVar aggregate classification (germline): Uncertain significance (1 of 4 stars; one submission).

Conditions:
X-linked Emery-Dreifuss muscular dystrophy. Also called: Muscular dystrophy, tardive Emery-Dreifuss type, with contractures. Identifiers: Orphanet 261, Orphanet 98863, MedGen C0751337, MONDO:0010680.

Allele frequency attached by ClinVar (database versions not stated): ExAC 0.00001; gnomAD 0.00001; gnomAD exomes 0.00001; TOPMed 0.00001; ESP Exome Variant Server 0.00009.

Submission:

Labcorp Genetics (formerly Invitae), Labcorp
Classification: Uncertain significance for X-linked Emery-Dreifuss muscular dystrophy. Last evaluated: 2025-03-21. Review status: criteria provided, single submitter. Criteria: Invitae Variant Classification Sherloc (09022015). Collection method: clinical testing. Allele origin: germline.
Comment: This sequence change replaces serine, which is neutral and polar, with phenylalanine, which is neutral and non-polar, at codon 186 of the EMD protein (p.Ser186Phe). This variant is present in population databases (rs372718547, gnomAD 0.005%), including at least one homozygous and/or hemizygous individual. This variant has not been reported in the literature in individuals affected with EMD-related conditions. ClinVar contains an entry for this variant (Variation ID: 1409599). Invitae Evidence Modeling of protein sequence and biophysical properties (such as structural, functional, and spatial information, amino acid conservation, physicochemical variation, residue mobility, and thermodynamic stability) indicates that this missense variant is not expected to disrupt EMD protein function with a negative predictive value of 80%. In summary, the available evidence is currently insufficient to determine the role of this variant in disease. Therefore, it has been classified as a Variant of Uncertain Significance.